The following is an entry in ClinVar:

ClinVar aggregate classification (germline): Uncertain significance (1 of 4 stars; one submission).

gnomAD v4.1: 9 of 1,614,200 alleles (0.00056%); highest among the groups gnomAD compares: African/African-American, 0.011%; no homozygotes.

Submission:

Women's Health and Genetics/Laboratory Corporation of America, LabCorp
Classification: Uncertain significance. Last evaluated: 2024-06-27. Review status: criteria provided, single submitter. Criteria: LabCorp Variant Classification Summary - May 2015. Collection method: clinical testing. Allele origin: germline.
Comment: Variant summary: COQ6 c.1284C>G (p.Asp428Glu) results in a conservative amino acid change in the encoded protein sequence. Three of five in-silico tools predict a benign effect of the variant on protein function. The variant allele was found at a frequency of 1.2e-05 in 251482 control chromosomes. The available data on variant occurrences in the general population are insufficient to allow any conclusion about variant significance. To our knowledge, no occurrence of c.1284C>G in individuals affected with Familial Steroid-Resistant Nephrotic Syndrome With Sensorineural Deafness and no experimental evidence demonstrating its impact on protein function have been reported. No submitters have cited clinical-significance assessments for this variant to ClinVar. Based on the evidence outlined above, the variant was classified as uncertain significance.

NM_182476.3(COQ6):c.1284C>G (p.Asp428Glu)

Genes: COQ6 (coenzyme Q6, monooxygenase; plus strand), ENTPD5 (ectonucleoside triphosphate diphosphohydrolase 5; minus strand). Cytogenetic location: 14q24.3.
Variant type: single nucleotide variant.
Coding change: c.1284C>G on transcript NM_182476.3 (MANE Select); coding-DNA position 1284, C replaced by G.
Protein change: p.Asp428Glu; replaces aspartic acid 428 with glutamic acid.
Molecular consequence: missense variant. On other transcripts: intron variant (7).
Genome position (GRCh38, 1-based): chr14:73,961,810, C>G. VCF-style: chr14-73961810-C-G. GRCh37 (hg19) VCF-style: chr14-74428513-C-G.
Other names: c.1201-6223G>C (NM_001382258.1); c.1201-5982G>C (NM_001382262.1); c.1201-2257G>C (NM_001382260.1, NM_001382259.1, NM_001330189.2); c.1201-260G>C (NM_001321984.2); c.1176C>G, p.Asp392Glu (NM_001425256.1); c.1119C>G, p.Asp373Glu (NM_001425257.1); c.1101C>G, p.Asp367Glu (NM_001425258.1); c.1059C>G, p.Asp353Glu (NM_001425259.1, NM_001425260.1, NM_001425261.1); and 5 more; short protein forms D248E, D319E, D343E, D353E, D367E, D373E, D392E, D403E.
Identifiers: ClinVar variation 3339561 (VCV003339561.1).